The following is an entry in ClinVar:

ClinVar aggregate classification (germline): Uncertain significance (1 of 4 stars; one submission).

Submission:

Labcorp Genetics (formerly Invitae), Labcorp
Classification: Uncertain significance. Last evaluated: 2022-01-27. Review status: criteria provided, single submitter. Criteria: Invitae Variant Classification Sherloc (09022015). Collection method: clinical testing. Allele origin: germline.
Comment: This sequence change replaces valine, which is neutral and non-polar, with leucine, which is neutral and non-polar, at codon 574 of the SI protein (p.Val574Leu). This variant is not present in population databases (gnomAD no frequency). This variant has not been reported in the literature in individuals affected with SI-related conditions. Advanced modeling of protein sequence and biophysical properties (such as structural, functional, and spatial information, amino acid conservation, physicochemical variation, residue mobility, and thermodynamic stability) performed at Invitae indicates that this missense variant is not expected to disrupt SI protein function. In summary, the available evidence is currently insufficient to determine the role of this variant in disease. Therefore, it has been classified as a Variant of Uncertain Significance.

NM_001041.4(SI):c.1720G>C (p.Val574Leu)

Gene: SI (sucrase-isomaltase; minus strand). Cytogenetic location: 3q26.1.
Variant type: single nucleotide variant.
Coding change: c.1720G>C on transcript NM_001041.4 (MANE Select); coding-DNA position 1720, G replaced by C.
Protein change: p.Val574Leu; replaces valine 574 with leucine.
Molecular consequence: missense variant.
Genome position (GRCh38, 1-based): chr3:165,047,008, C>G on the plus strand (G>C on the coding strand, the complement: SI is on the minus strand). VCF-style: chr3-165047008-C-G. GRCh37 (hg19) VCF-style: chr3-164764796-C-G.
Other names: short protein forms V574L.
Identifiers: ClinVar variation 1935100 (VCV001935100.2), dbSNP rs1344831003, ClinGen allele CA355052456.